The following is an entry in ClinVar:

ClinVar aggregate classification (germline): Uncertain significance (1 of 4 stars; one submission).

Conditions:
GNRHR-related disorder. Also called: GNRHR-related condition.

gnomAD v4.1: 13 of 1,605,330 alleles (0.00081%); highest among the groups gnomAD compares: Non-Finnish European, 0.0011%; no homozygotes.

Submission:

PreventionGenetics, part of Exact Sciences
Classification: Uncertain significance for GNRHR-related condition. Last evaluated: 2026-04-27. Review status: criteria provided, single submitter. Criteria: ACMG Guidelines, 2015. Collection method: clinical testing. Allele origin: germline.
Comment: The GNRHR c.649A>T variant is predicted to result in premature protein termination (p.Lys217*). Of note, this variant is annotated as c.777A>T (p.=) in the MANE Select transcript NM_000406.3. To our knowledge, this variant has not been reported in the literature or in a large population database (gnomAD), indicating this variant is rare. At this time, the clinical significance of this variant is uncertain due to the absence of conclusive functional and genetic evidence.

NM_000406.3(GNRHR):c.777A>T (p.Pro259=)

Gene: GNRHR (gonadotropin releasing hormone receptor; minus strand). Cytogenetic location: 4q13.2.
Variant type: single nucleotide variant.
Coding change: c.777A>T on transcript NM_000406.3 (MANE Select); coding-DNA position 777, A replaced by T.
Protein change: p.Pro259=; no amino-acid change (proline 259 retained).
Molecular consequence: synonymous variant. On other transcripts: nonsense (1).
Genome position (GRCh38, 1-based): chr4:67,740,690, T>A on the plus strand (A>T on the coding strand, the complement: GNRHR is on the minus strand). VCF-style: chr4-67740690-T-A. GRCh37 (hg19) VCF-style: chr4-68606408-T-A.
Other names: c.649A>T, p.Lys217Ter (NM_001012763.2); short protein forms K217*.
Identifiers: ClinVar variation 3351455 (VCV003351455.2).
Genomic context (GRCh38, chr4:67,740,690, plus strand): 5'-GCAGACAGTAAATGAAGTGGCAAATGCAACCGTCATTTTTAGAGTCTTCAGCCGTGCTCT[T>A]GGTATATTGTTCTTGGACTGATTCAGTTGTAGTTCTGTTGGATAGAGAAAAGAGCAGGTG-3'
Protein context (NP_000397.1, residues 249-269): LQLNQSKNNI[Pro259=]RARLKTLKMT